The following is an entry in ClinVar:

NM_000548.5(TSC2):c.1298C>A (p.Ser433Tyr)

Gene: TSC2 (TSC complex subunit 2; plus strand). Cytogenetic location: 16p13.3.
Variant type: single nucleotide variant.
Coding change: c.1298C>A on transcript NM_000548.5 (MANE Select); coding-DNA position 1298, C replaced by A.
Protein change: p.Ser433Tyr; replaces serine 433 with tyrosine.
Molecular consequence: missense variant.
Genome position (GRCh38, 1-based): chr16:2,062,537, C>A. VCF-style: chr16-2062537-C-A. GRCh37 (hg19) VCF-style: chr16-2112538-C-A.
Other names: c.1298C>A, p.Ser433Tyr (NM_001077183.3, NM_001114382.3, NM_001363528.2 and 3 more transcripts); c.1187C>A, p.Ser396Tyr (NM_001318827.2); c.1151C>A, p.Ser384Tyr (NM_001318829.2); c.698C>A, p.Ser233Tyr (NM_001318831.2); c.1331C>A, p.Ser444Tyr (NM_001318832.2); short protein forms S433Y, S233Y, S384Y, S396Y, S444Y.
Identifiers: ClinVar variation 568370 (VCV000568370.8), dbSNP rs397515187, ClinGen allele CA394322139.

ClinVar aggregate classification (germline): Uncertain significance (1 of 4 stars; one submission).

Conditions:
Tuberous sclerosis 2 (TSC2). Identifiers: Orphanet 805, MedGen C1860707, MONDO:0013199, OMIM 613254.

Submission:

Labcorp Genetics (formerly Invitae), Labcorp
Classification: Uncertain significance for Tuberous sclerosis 2. Last evaluated: 2018-03-18. Review status: criteria provided, single submitter. Criteria: Invitae Variant Classification Sherloc (09022015). Collection method: clinical testing. Allele origin: germline.
Comment: In summary, the available evidence is currently insufficient to determine the role of this variant in disease. Therefore, it has been classified as a Variant of Uncertain Significance. Algorithms developed to predict the effect of missense changes on protein structure and function do not agree on the potential impact of this missense change (SIFT: "Deleterious"; PolyPhen-2: "Probably Damaging"; Align-GVGD: "Class C0"). This variant has not been reported in the literature in individuals with TSC2-related disease. This variant is not present in population databases (ExAC no frequency). This sequence change replaces serine with tyrosine at codon 433 of the TSC2 protein (p.Ser433Tyr). The serine residue is moderately conserved and there is a large physicochemical difference between serine and tyrosine.